The following is an entry in ClinVar:

ClinVar aggregate classification (germline): Pathogenic (1 of 4 stars; one submission).

Submission:

Quest Diagnostics Nichols Institute San Juan Capistrano
Classification: Pathogenic. Last evaluated: 2021-07-14. Review status: criteria provided, single submitter. Criteria: ACMG/ClinGen CNV Guidelines, 2019. Collection method: clinical testing. Allele origin: unknown.
Comment: This deletion interval is associated with 22q11.2 central deletio syndrome (LCR22-C to LCR22-D), which is distinct from the DiGeorge syndrome and velocardiofacial syndrome regions, including critical genes HIRA or TBX1. The clinical manifestations of 22q11.2 central deletion syndrome are highly variable with the most common features including growth retardation, immune deficiency/recurrent infections, central nervous system anomalies/seizures, developmental delay, intellectual disability, skeletal anomalies, cardiovascular defects, psychiatric/behavioral problems, genitourinary anomalies, and dysmorphic features. Central deletions are reported in the literature in individuals including familial carriers. Therefore, the literature suggests reduced penetrance (Burnside RD, Cytogenet Genome Res. 2015;146(2):89-99. PMID: 26278718). Haploinsufficiency of the CRKL gene [MIM: 602007] has been implicated in the etiology of conotruncal heart defects (Racedo, et al., Am J Hum Genet. 2015 Feb 5;96(2):235-44. PMID: 25658046).

GRCh37/hg19 22q11.21(chr22:20728957-21798907)x1

Genes: HIC2 (HIC ZBTB transcriptional repressor 2; plus strand), KLHL22 (kelch like family member 22; minus strand), LZTR1 (leucine zipper like post translational regulator 1; plus strand), P2RX6 (purinergic receptor P2X 6; plus strand), PI4KA (phosphatidylinositol 4-kinase alpha; minus strand) and 12 more. Cytogenetic location: 22q11.21.
Variant type: copy number loss.
Change: copy number 1 (one copy instead of two) of chr22:20,728,957-21,798,907 (1.07 Mb, GRCh37 coordinates, 1-based), cytogenetic band 22q11.21.
Identifiers: ClinVar variation 1807715 (VCV001807715.1).